The following is an entry in ClinVar:

NM_000368.5(TSC1):c.3009C>T (p.Ser1003=)

Gene: TSC1 (TSC complex subunit 1; minus strand). Cytogenetic location: 9q34.13.
Variant type: single nucleotide variant.
Coding change: c.3009C>T on transcript NM_000368.5 (MANE Select); coding-DNA position 3009, C replaced by T.
Protein change: p.Ser1003=; no amino-acid change (serine 1003 retained).
Molecular consequence: synonymous variant.
Genome position (GRCh38, 1-based): chr9:132,896,721, G>A on the plus strand (C>T on the coding strand, the complement: TSC1 is on the minus strand). VCF-style: chr9-132896721-G-A. GRCh37 (hg19) VCF-style: chr9-135772108-G-A.
Other names: c.3006C>T, p.Ser1002= (NM_001162426.2); c.2856C>T, p.Ser952= (NM_001162427.2); c.2646C>T, p.Ser882= (NM_001362177.2).
Identifiers: ClinVar variation 1108679 (VCV001108679.12), dbSNP rs2131615637, ClinGen allele CA467813089.
Genomic context (GRCh38, chr9:132,896,721, plus strand): 5'-GGGCCTGGGGGTCTTGGTCTCACCGTTGTGGCCAGATGCCTCTTCATTGTGCCCTACCAT[G>A]GAATCTGAGCACCCGTCATTACAACAGTCAAGCCTGTAAGAAAGCCGGGGAGGAAAAAAG-3'
Protein context (NP_000359.1, residues 993-1013): LDCCNDGCSD[Ser1003=]MVGHNEEASG

ClinVar aggregate classification (germline): Benign/Likely benign. Review status: criteria provided, multiple submitters, no conflicts (2 of 4 stars). 3 submissions from 3 submitters: Benign (1); Likely benign (2). Last evaluated 2025-10-21.

Conditions:
Hereditary cancer-predisposing syndrome. Also called: Hereditary neoplastic syndrome; Tumor predisposition; Neoplastic Syndromes, Hereditary; Hereditary Cancer Syndrome. Identifiers: Orphanet 140162, MedGen C0027672, MeSH D009386, MONDO:0015356.
Tuberous sclerosis 1 (TSC1). Identifiers: Orphanet 805, MedGen C1854465, MONDO:0008612, OMIM 191100.

Allele frequency attached by ClinVar (database versions not stated): gnomAD exomes 0.00001.
gnomAD v4.1: 15 of 1,613,812 alleles (0.00093%); highest among the groups gnomAD compares: Non-Finnish European, 0.0013%; no homozygotes.

Submissions (3):

Labcorp Genetics (formerly Invitae), Labcorp
Classification: Likely benign for Tuberous sclerosis 1. Last evaluated: 2025-10-21. Review status: criteria provided, single submitter. Criteria: Invitae Variant Classification Sherloc (09022015). Collection method: clinical testing. Allele origin: germline.

Myriad Genetics, Inc.
Classification: Benign for Tuberous sclerosis 1. Last evaluated: 2025-04-29. Review status: criteria provided, single submitter. Criteria: Myriad Autosomal Dominant, Autosomal Recessive and X-Linked Classification Criteria (2023). Collection method: clinical testing. Allele origin: unknown.
Comment: This variant is considered benign. This variant is a silent/synonymous amino acid change and it is not expected to impact splicing.

Ambry Genetics
Classification: Likely benign for Hereditary cancer-predisposing syndrome. Last evaluated: 2021-07-18. Review status: criteria provided, single submitter. Criteria: Ambry Variant Classification Scheme 2023. Collection method: clinical testing. Allele origin: germline.